The following is an entry in ClinVar:

NM_031471.6(FERMT3):c.1108C>T (p.Arg370Cys)

Gene: FERMT3 (FERM domain containing kindlin 3; plus strand). Cytogenetic location: 11q13.1.
Variant type: single nucleotide variant.
Coding change: c.1108C>T on transcript NM_031471.6 (MANE Select); coding-DNA position 1108, C replaced by T.
Protein change: p.Arg370Cys; replaces arginine 370 with cysteine.
Molecular consequence: missense variant.
Genome position (GRCh38, 1-based): chr11:64,219,919, C>T. VCF-style: chr11-64219919-C-T. GRCh37 (hg19) VCF-style: chr11-63987391-C-T.
Other names: c.1108C>T, p.Arg370Cys (NM_001382361.1, NM_001382448.1); c.1120C>T, p.Arg374Cys (NM_001382362.1, NM_178443.3); c.568C>T, p.Arg190Cys (NM_001382363.1); c.580C>T, p.Arg194Cys (NM_001382364.1); short protein forms R190C, R194C, R374C, R370C.
Identifiers: ClinVar variation 1513574 (VCV001513574.5), dbSNP rs867531303, ClinGen allele CA223845011.
Genomic context (GRCh38, chr11:64,219,919, plus strand): 5'-CGGCCTTTCACAAACCCCAGCATCCCACGAAGGCCCCGGAAGCTGACCCTGAAGGGCTAC[C>T]GCCAACACTGGGTGGTGTTCAAGGAGACCACACTGTCCTACTACAAGAGCCAGGACGAGG-3'
Protein context (NP_113659.3, residues 360-380): RPRKLTLKGY[Arg370Cys]QHWVVFKETT

ClinVar aggregate classification (germline): Uncertain significance (1 of 4 stars; one submission).

Conditions:
Leukocyte adhesion deficiency 3. Also called: INTEGRIN ACTIVATION DEFICIENCY DISEASE; LEUKOCYTE ADHESION DEFICIENCY 1 VARIANT; Leukocyte adhesion deficiency, type III. Identifiers: Orphanet 2968, Orphanet 99844, MedGen C2748536, MONDO:0013016, OMIM 612840.

Allele frequency attached by ClinVar (database versions not stated): gnomAD exomes below 0.00001 and 0.00001; TOPMed below 0.00001; gnomAD 0.00001.
gnomAD v4.1: 3 of 1,613,844 alleles (0.00019%); highest among the groups gnomAD compares: Non-Finnish European, 0.00025%; no homozygotes.

Submission:

Labcorp Genetics (formerly Invitae), Labcorp
Classification: Uncertain significance for Leukocyte adhesion deficiency 3. Last evaluated: 2022-07-19. Review status: criteria provided, single submitter. Criteria: Invitae Variant Classification Sherloc (09022015). Collection method: clinical testing. Allele origin: germline.
Comment: This sequence change replaces arginine, which is basic and polar, with cysteine, which is neutral and slightly polar, at codon 370 of the FERMT3 protein (p.Arg370Cys). This variant is present in population databases (no rsID available, gnomAD 0.002%). This variant has not been reported in the literature in individuals affected with FERMT3-related conditions. Algorithms developed to predict the effect of missense changes on protein structure and function are either unavailable or do not agree on the potential impact of this missense change (SIFT: "Deleterious"; PolyPhen-2: "Benign"; Align-GVGD: "Class C0"). In summary, the available evidence is currently insufficient to determine the role of this variant in disease. Therefore, it has been classified as a Variant of Uncertain Significance.